The following is an entry in ClinVar:

ClinVar aggregate classification (germline): Likely benign. Review status: criteria provided, multiple submitters, no conflicts (2 of 4 stars). 3 submissions from 3 submitters: Likely benign (3). Last evaluated 2024-02-17.

Conditions:
3-Methylglutaconic aciduria type 3 (MGCA3). Also called: OPA3, AUTOSOMAL RECESSIVE; OPTIC ATROPHY 3, AUTOSOMAL RECESSIVE; Costeff Syndrome; OPA3-Related 3-Methylglutaconic Aciduria. Identifiers: Orphanet 67047, MedGen C0574084, MONDO:0009787, OMIM 258501.
Optic atrophy 3 (OPA3). Also called: OPTIC ATROPHY 3, AUTOSOMAL DOMINANT; Optic atrophy 3 with cataract; Optic atrophy, cataract, and neurologic disorder. Identifiers: Orphanet 67036, MedGen C1833809, MONDO:0008133, OMIM 165300.

Allele frequency attached by ClinVar (database versions not stated): gnomAD exomes below 0.00001 and 0.00001; TOPMed below 0.00001; ExAC 0.00001.
gnomAD v4.1: 3 of 1,613,054 alleles (0.00019%); highest among the groups gnomAD compares: Non-Finnish European, 0.00025%; no homozygotes.

Submissions (3):

Labcorp Genetics (formerly Invitae), Labcorp
Classification: Likely benign for 3-Methylglutaconic aciduria type 3; Optic atrophy 3. Last evaluated: 2024-02-17. Review status: criteria provided, single submitter. Criteria: Invitae Variant Classification Sherloc (09022015). Collection method: clinical testing. Allele origin: germline.

Blueprint Genetics
Classification: Likely benign. Last evaluated: 2022-12-22. Review status: criteria provided, single submitter. Criteria: ACMG Guidelines, 2015. Collection method: clinical testing. Allele origin: germline.

GeneDx
Classification: Likely benign. Last evaluated: 2017-07-17. Review status: criteria provided, single submitter. Criteria: GeneDx Variant Classification (06012015). Collection method: clinical testing. Allele origin: germline. Affected: yes.
Comment: This variant is considered likely benign or benign based on one or more of the following criteria: it is a conservative change, it occurs at a poorly conserved position in the protein, it is predicted to be benign by multiple in silico algorithms, and/or has population frequency not consistent with disease.

NM_025136.4(OPA3):c.216C>T (p.Asn72=)

Genes: OPA3 (outer mitochondrial membrane lipid metabolism regulator OPA3; minus strand), OPA3-RTN2 (OPA3-RTN2 readthrough; minus strand). Cytogenetic location: 19q13.32.
Variant type: single nucleotide variant.
Coding change: c.216C>T on transcript NM_025136.4 (MANE Select); coding-DNA position 216, C replaced by T.
Protein change: p.Asn72=; no amino-acid change (asparagine 72 retained).
Molecular consequence: synonymous variant. On other transcripts: intron variant (1).
Genome position (GRCh38, 1-based): chr19:45,553,838, G>A on the plus strand (C>T on the coding strand, the complement: OPA3 is on the minus strand). VCF-style: chr19-45553838-G-A. GRCh37 (hg19) VCF-style: chr19-46057096-G-A.
Other names: c.143-24382C>T (NM_001017989.3).
Identifiers: ClinVar variation 510580 (VCV000510580.10), dbSNP rs772750356, ClinGen allele CA9517435.